The following is an entry in ClinVar:

ClinVar aggregate classification (germline): Likely pathogenic (1 of 4 stars; one submission).

Submission:

GeneDx
Classification: Likely pathogenic. Last evaluated: 2026-04-23. Review status: criteria provided, single submitter. Criteria: GeneDx Variant Classification Process June 2021. Collection method: clinical testing. Allele origin: germline.
Comment: Frameshift variant predicted to result in protein truncation or nonsense mediated decay in a gene for which loss of function is a known mechanism of disease; Not observed at significant frequency in large population cohorts (gnomAD); Has not been previously published as pathogenic or benign to our knowledge

NM_000377.3(WAS):c.907del (p.Val303fs)

Gene: WAS (WASP actin nucleation promoting factor; plus strand). Cytogenetic location: Xp11.23.
Variant type: Deletion.
Coding change: c.907del on transcript NM_000377.3 (MANE Select); coding-DNA position 907, one base deleted (G; older notation c.907delG).
Protein change: p.Val303fs; shifts the reading frame from valine 303.
Molecular consequence: frameshift variant.
Genome position (GRCh38, 1-based): chrX:48,688,429, G deleted. VCF-style (leftmost placement, unchanged base first): chrX-48688428-TG-T. GRCh37 (hg19) VCF-style: chrX-48546817-TG-T.
Other names: c.907delG, p.Val303Cysfs (NM_000377.2); c.907del, p.Val303fs (NM_001438876.1, NM_001438877.1, NM_001438878.1 and 1 more transcripts); short protein forms V303fs.
Identifiers: ClinVar variation 5036904 (VCV005036904.1).
Genomic context (GRCh38, chrX:48,688,428, plus strand): 5'-CGACGCCGAGACCTCTAAACTTATCTACGACTTCATTGAGGACCAGGGTGGGCTGGAGGC[TG>T]TGCGGCAGGAGATGAGGCGCCAGGGTGAGACCCTGCTTCCATACGCTCCCTTCTCTAGCC-3'